The following is an entry in ClinVar:

NM_001164508.2(NEB):c.1824_1826del (p.Met608del)

Gene: NEB (nebulin; minus strand). Cytogenetic location: 2q23.3.
Variant type: Deletion.
Coding change: c.1824_1826del on transcript NM_001164508.2 (MANE Select); coding-DNA positions 1824 to 1826, 3 bases deleted (GAT; older notation c.1824_1826delGAT).
Protein change: p.Met608del; deletes methionine 608.
Molecular consequence: inframe deletion.
Genome position (GRCh38, 1-based): chr2:151,694,393-151,694,395, ATC deleted on the plus strand (GAT on the coding strand, the reverse complement: NEB is on the minus strand); deleting any 3 consecutive bases within chr2:151,694,393-151,694,397 gives the same sequence; the c. name uses the placement nearest the transcript's 3' end. VCF-style (leftmost placement, unchanged base first): chr2-151694392-AATC-A. GRCh37 (hg19) VCF-style: chr2-152550906-AATC-A.
Other names: c.1824_1826del, p.Met608del (NM_001164507.2, NM_001271208.2, NM_004543.5); short protein forms M608del.
Identifiers: ClinVar variation 5003724 (VCV005003724.1).

ClinVar aggregate classification (germline): Uncertain significance (1 of 4 stars; one submission).

Conditions:
Nemaline myopathy 2 (NEM2). Also called: Nemaline myopathy 2, autosomal recessive. Identifiers: MedGen C1850569, MONDO:0009725, OMIM 256030.

Submission:

Myriad Genetics, Inc.
Classification: Uncertain significance for Nemaline myopathy 2. Last evaluated: 2025-11-21. Review status: criteria provided, single submitter. Criteria: Myriad Autosomal Dominant, Autosomal Recessive and X-Linked Classification Criteria (2023). Collection method: clinical testing. Allele origin: unknown.
Comment: NM_001271208.1(NEB):c.1824_1826delGAT(M608del) is an in-frame deletion classified as a variant of uncertain significance in the context of NEB-related nemaline myopathy. M608del has not been observed in cases with relevant disease. Relevant functional assessments of this variant are not available in the literature. M608del has not been observed in referenced population frequency databases. In summary, there is insufficient evidence to classify NM_001271208.1(NEB):c.1824_1826delGAT(M608del) as pathogenic or benign. Please note: this variant was assessed in the context of healthy population screening.